The following is an entry in ClinVar:

NM_001374736.1(DST):c.16323T>C (p.Asn5441=)

Gene: DST (dystonin; minus strand). Cytogenetic location: 6p12.1.
Variant type: single nucleotide variant.
Coding change: c.16323T>C on transcript NM_001374736.1 (MANE Select); coding-DNA position 16323, T replaced by C.
Protein change: p.Asn5441=; no amino-acid change (asparagine 5441 retained).
Molecular consequence: synonymous variant.
Genome position (GRCh38, 1-based): chr6:56,552,469, A>G on the plus strand (T>C on the coding strand, the complement: DST is on the minus strand). VCF-style: chr6-56552469-A-G. GRCh37 (hg19) VCF-style: chr6-56417267-A-G.
Other names: p.Asn2818=; c.9966T>C, p.Asn3322= (NM_001144769.5); c.9552T>C, p.Asn3184= (NM_001144770.2); c.16323T>C, p.Asn5441= (NM_001374722.1); c.15690T>C, p.Asn5230= (NM_001374729.1); c.9432T>C, p.Asn3144= (NM_001374730.1, NM_001386100.1, NM_183380.4); c.16350T>C, p.Asn5450= (NM_001374734.1); c.8454T>C, p.Asn2818= (NM_015548.5).
Identifiers: ClinVar variation 1169639 (VCV001169639.18), dbSNP rs369835193, ClinGen allele CA3867693.

ClinVar aggregate classification (germline): Benign/Likely benign. Review status: criteria provided, multiple submitters, no conflicts (2 of 4 stars). 4 submissions from 4 submitters: Benign (2); Likely benign (2). Last evaluated 2025-12-31.

Conditions:
Hereditary sensory and autonomic neuropathy type 6. Also called: HSAN VI; Neuropathy, hereditary sensory and autonomic, type VI. Identifiers: Orphanet 314381, MedGen C3539003, MONDO:0013839, OMIM 614653.
Epidermolysis bullosa simplex 3, localized or generalized intermediate, with BP230 deficiency (EBS3). Also called: Epidermolysis bullosa simplex due to BP230 deficiency; Epidermolysis bullosa simplex, autosomal recessive 2. Identifiers: Orphanet 412181, MedGen C3809470, MONDO:0014180, OMIM 615425.

Allele frequency attached by ClinVar (database versions not stated): gnomAD 0.00002 and 0.00018; TOPMed 0.00006; ESP Exome Variant Server 0.00017; 1000 Genomes Project 30x 0.00031; 1000 Genomes Project 0.00040; gnomAD exomes 0.00041 and 0.00071; ExAC 0.00089.
gnomAD v4.1: 617 of 1,613,930 alleles (0.038%); highest among the groups gnomAD compares: South Asian, 0.65%; 9 homozygotes.

Submissions (4):

Labcorp Genetics (formerly Invitae), Labcorp
Classification: Benign for Epidermolysis bullosa simplex 3, localized or generalized intermediate, with BP230 deficiency; Hereditary sensory and autonomic neuropathy type 6. Last evaluated: 2025-12-31. Review status: criteria provided, single submitter. Criteria: Invitae Variant Classification Sherloc (09022015). Collection method: clinical testing. Allele origin: germline.

CeGaT Center for Human Genetics Tuebingen
Classification: Likely benign. Last evaluated: 2025-09-01. Review status: criteria provided, single submitter. Criteria: CeGaT Center For Human Genetics Tuebingen Variant Classification Criteria Version 2. Collection method: clinical testing. Allele origin: germline. Affected: yes. Observed: 1 variant allele.
Comment: DST: BP4, BP7

Mayo Clinic Laboratories, Mayo Clinic
Classification: Benign. Last evaluated: 2025-03-06. Review status: criteria provided, single submitter. Criteria: ACMG Guidelines, 2015. Collection method: clinical testing. Allele origin: germline. Observed: 1 variant allele.
Comment: BS1, BS2, BP4, BP7

Blueprint Genetics
Classification: Likely benign. Last evaluated: 2024-11-22. Review status: criteria provided, single submitter. Criteria: ACMG Guidelines, 2015. Collection method: clinical testing. Allele origin: germline.